The following is an entry in ClinVar:

NM_001374385.1(ATP8B1):c.2373dup (p.Pro792fs)

Genes: ATP8B1 (ATPase phospholipid transporting 8B1; minus strand), ATP8B1-AS1 (ATP8B1 antisense RNA 1; plus strand). Cytogenetic location: 18q21.31.
Variant type: Duplication.
Coding change: c.2373dup on transcript NM_001374385.1 (MANE Select); coding-DNA position 2373, one base duplicated (T; older notation c.2373dupT).
Protein change: p.Pro792fs; shifts the reading frame from proline 792.
Molecular consequence: frameshift variant.
Genome position (GRCh38, 1-based): chr18:57,662,528, A duplicated on the plus strand (T on the coding strand, the reverse complement: ATP8B1 is on the minus strand); the first of 7 consecutive A bases (chr18:57,662,528-57,662,534); duplicating any one gives the same sequence. VCF-style (leftmost placement, unchanged base first): chr18-57662527-G-GA. GRCh37 (hg19) VCF-style: chr18-55329759-G-GA.
Other names: c.2223dup, p.Pro742fs (NM_001374386.1); c.2373dup, p.Pro792fs (NM_005603.6); short protein forms P742fs, P792fs.
Identifiers: ClinVar variation 4846265 (VCV004846265.1).

ClinVar aggregate classification (germline): Pathogenic (1 of 4 stars; one submission).

Conditions:
Familial intrahepatic cholestasis. Identifiers: Orphanet 284385, MedGen CN296401, MONDO:0017290.

Submission:

Genomenon, Inc
Classification: Pathogenic for Familial intrahepatic cholestasis. Last evaluated: 2026-04-14. Review status: criteria provided, single submitter. Criteria: Genomenon Sequence Variant Interpretation Standards - Updated. Collection method: curation. Allele origin: germline. Affected: yes.
Comment: ATP8B1 p.Pro792SerfsTer17 (c.2373dup) is a frameshift variant that results in the production of a truncated protein which is predicted to undergo nonsense-mediated mRNA decay. This variant has been observed in at least one proband with features of ATP8B1-deficiency (PMID:12149765). It is absent or not present at a significant frequency in gnomAD. In conclusion, we classify ATP8B1 p.Pro792SerfsTer17 (c.2373dup) as a pathogenic variant.

Literature cited by the submitters: PubMed 12149765.